The following is an entry in ClinVar:

NM_000245.4(MET):c.3199C>A (p.Gln1067Lys)

Gene: MET (MET proto-oncogene, receptor tyrosine kinase; plus strand). Cytogenetic location: 7q31.2.
Variant type: single nucleotide variant.
Coding change: c.3199C>A on transcript NM_000245.4 (MANE Select); coding-DNA position 3199, C replaced by A.
Protein change: p.Gln1067Lys; replaces glutamine 1067 with lysine.
Molecular consequence: missense variant.
Genome position (GRCh38, 1-based): chr7:116,775,051, C>A. VCF-style: chr7-116775051-C-A. GRCh37 (hg19) VCF-style: chr7-116415105-C-A.
Other names: c.3253C>A (LRG_662t1); c.3253C>A, p.Gln1085Lys (NM_001127500.3); c.1909C>A, p.Gln637Lys (NM_001324402.2); short protein forms Q1085K, Q1067K, Q637K.
Identifiers: ClinVar variation 219821 (VCV000219821.23), dbSNP rs45628136, ClinGen allele CA350159.

ClinVar aggregate classification (germline): Conflicting classifications of pathogenicity. Review status: criteria provided, conflicting classifications (1 of 4 stars). 6 submissions from 6 submitters: Uncertain significance (4); Benign (1); Likely benign (1). Last evaluated 2026-01-04.

Conditions:
Renal cell carcinoma. Identifiers: Orphanet 217071, MedGen C0007134, MeSH D002292, MONDO:0005086, HP:0005584.
Hereditary cancer-predisposing syndrome. Also called: Tumor predisposition; Neoplastic Syndromes, Hereditary; Hereditary Cancer Syndrome; Hereditary neoplastic syndrome. Identifiers: Orphanet 140162, MedGen C0027672, MeSH D009386, MONDO:0015356.
Autosomal recessive nonsyndromic hearing loss 97. Also called: Deafness, autosomal recessive 97. Identifiers: Orphanet 90636, MedGen C4084709, MONDO:0014739, OMIM 616705.
Papillary renal cell carcinoma type 1 (RCCP1). Also called: Renal adenocarcinoma; Renal cell carcinoma 1; Renal cell carcinoma, somatic; RENAL CELL CARCINOMA, PAPILLARY, 1, SOMATIC. Identifiers: Orphanet 47044, MedGen C1336839, OMIM 605074, HP:0011797.

Allele frequency attached by ClinVar (database versions not stated): gnomAD exomes 0.00001 and 0.00005; gnomAD 0.00002; TOPMed 0.00003; ExAC 0.00006.
gnomAD v4.1: 14 of 1,614,044 alleles (0.00087%); highest among the groups gnomAD compares: East Asian, 0.029%; no homozygotes.

Submissions (6):

Labcorp Genetics (formerly Invitae), Labcorp
Classification: Likely benign for Renal cell carcinoma. Last evaluated: 2026-01-04. Review status: criteria provided, single submitter. Criteria: Invitae Variant Classification Sherloc (09022015). Collection method: clinical testing. Allele origin: germline.

Clinical Genomics Laboratory, Washington University in St. Louis
Classification: Uncertain significance for Papillary renal cell carcinoma type 1. Last evaluated: 2025-12-08. Review status: criteria provided, single submitter. Criteria: ACMG Guidelines, 2015. Collection method: clinical testing. Allele origin: germline.
Comment: A MET c.3199C>A (p.Gln1067Lys) variant was identified at a heterozygous allelic fraction of 51.4%, a frequency which may be consistent with it being of germline origin. This variant has been reported in one individual affected with ovarian cancer in the germline state (Chan G et al., PMID: 30093976), but not in individuals with vascular anomalies or overgrowth disorders. It has been reported in the ClinVar database as a germline variant of uncertain significance by three submitters and benign/ likely benign by two submitters (Variation ID: 219821). It is only observed on 14/1,614,044 alleles in the general population (gnomAD v4.1.0), indicating it is not a common variant. Computational predictors suggest that the variant does not impact MET function. Due to limited information, and based on ACMG/AMP guidelines for variant interpretation (Richards S et al., PMID: 25741868), the clinical significance of this variant is uncertain at this time.

GeneDx
Classification: Uncertain significance. Last evaluated: 2024-05-20. Review status: criteria provided, single submitter. Criteria: GeneDx Variant Classification Process June 2021. Collection method: clinical testing. Allele origin: germline.
Comment: In silico analysis supports that this missense variant has a deleterious effect on protein structure/function; Observed in an individual with ovarian cancer (PMID: 30093976); This variant is associated with the following publications: (PMID: 30093976)

Baylor Genetics
Classification: Uncertain significance for Autosomal recessive nonsyndromic hearing loss 97. Last evaluated: 2024-02-05. Review status: criteria provided, single submitter. Criteria: ACMG Guidelines, 2015. Collection method: clinical testing. Allele origin: unknown.

Ambry Genetics
Classification: Benign for Hereditary cancer-predisposing syndrome. Last evaluated: 2023-09-02. Review status: criteria provided, single submitter. Criteria: Ambry Variant Classification Scheme 2023. Collection method: clinical testing. Allele origin: germline.

Sema4
Classification: Uncertain significance for Hereditary cancer-predisposing syndrome. Last evaluated: 2021-07-20. Review status: criteria provided, single submitter. Criteria: Sema4 Curation Guidelines. Collection method: curation. Allele origin: germline.
Comment: The MET c.3253C>A (p.Q1085K) variant has been reported in heterozygosity in at least one individual with ovarian cancer (PMID: 30093976). It was observed in 14/19528 chromosomes of the East Asian subpopulation in the Genome Aggregation Database (PMID: 32461654). The variant has been reported in ClinVar (Variation ID: 216728). Functional studies have not been performed and in silico predictions of the variant's effect on protein function are inconclusive. The evidence is insufficient to meet ACMG/AMP criteria for classifying the variant as benign or pathogenic. Thus, the clinical significance of this variant is currently uncertain.

Literature cited by the submitters: PubMed 30093976 (cited by Ambry Genetics and Sema4).